The following is an entry in ClinVar:

NM_001114753.3(ENG):c.1517T>A (p.Leu506His)

Genes: ENG (endoglin; minus strand), LOC102723566 (uncharacterized LOC102723566; plus strand). Cytogenetic location: 9q34.11.
Variant type: single nucleotide variant.
Coding change: c.1517T>A on transcript NM_001114753.3 (MANE Select); coding-DNA position 1517, T replaced by A.
Protein change: p.Leu506His; replaces leucine 506 with histidine.
Molecular consequence: missense variant.
Genome position (GRCh38, 1-based): chr9:127,818,289, A>T on the plus strand (T>A on the coding strand, the complement: ENG is on the minus strand). VCF-style: chr9-127818289-A-T. GRCh37 (hg19) VCF-style: chr9-130580568-A-T.
Other names: NM_001114753.3(ENG):c.1517T>A; p.Leu506His; c.1517T>A, p.Leu506His (NM_000118.4); c.971T>A, p.Leu324His (NM_001278138.2); short protein forms L324H, L506H.
Identifiers: ClinVar variation 1466744 (VCV001466744.19), dbSNP rs778594104, ClinGen allele CA5252743.

ClinVar aggregate classification (germline): Likely pathogenic. Review status: reviewed by expert panel (3 of 4 stars). 4 submissions from 4 submitters: Likely pathogenic (1). 3 of the submissions do not count toward it. Last evaluated 2025-02-04.

Conditions:
ENG-related disorder. Also called: ENG-related disorders; ENG-related condition.
Telangiectasia, hereditary hemorrhagic, type 1 (HHT1). Also called: ENG-Related Hereditary Hemorrhagic Telangiectasia; Osler Weber Rendu syndrome type 1. Identifiers: Orphanet 774, MedGen C4551861, MONDO:0008535, OMIM 187300. Disease mechanism: loss of function.
Hereditary hemorrhagic telangiectasia (HHT). Also called: Osler hemorrhagic telangiectasia syndrome; ORW DISEASE; Osler Weber Rendu syndrome; OSLER-RENDU-WEBER DISEASE. Identifiers: Orphanet 774, MedGen C0039445, MONDO:0019180. Disease mechanism: loss of function.

Allele frequency attached by ClinVar (database versions not stated): gnomAD exomes below 0.00001; ExAC 0.00001.
gnomAD v4.1: 1 of 1,614,072 alleles (0.000062%); no homozygotes.

Submissions (4):

ClinGen Hereditary Hemorrhagic Telangiectasia Variant Curation Expert Panel, ClinGen
Classification: Likely pathogenic for Telangiectasia, hereditary hemorrhagic, type 1. Last evaluated: 2025-02-04. Review status: reviewed by expert panel. Criteria: ClinGen HHT ACMG Specifications ENG V1.1.0. Collection method: curation. Allele origin: germline. Inheritance: Autosomal dominant inheritance.
Comment: The NM_001114753.3: c.1517T>A variant in ENG is a missense variant predicted to cause substitution of leucine by histidine at amino acid 506 (p.Leu506His). This variant has been reported in 2 probands with a phenotype consistent with HHT (PS4_Moderate; Internal lab contributors). The computational predictor REVEL gives a score of 0.88, which is above the threshold of ≥0.644, evidence that correlates with impact to ENG function (PP3). The overall minor allele frequency in gnomAD v2.1.1 is 0.000004 (1/250772 alleles), which is lower than the ClinGen Hereditary Hemorrhagic Telangiectasia VCEP threshold (<6 total alleles) for PM2_Supporting, meeting this criterion (PM2_Supporting). Another missense variant, c.1517T>C, p.Leu506Pro (PMID: 24196379, 30073140; ClinVar Variation ID: 1774348), in the same codon has been classified as likely pathogenic for autosomal dominant Hereditary Hemorrhagic Telangiectasia by the ClinGen Hereditary Hemorrhagic Telangiectasia Variant Curation Expert Panel (PM5). In summary, this variant meets the criteria to be classified as likely pathogenic for autosomal dominant hereditary hemorrhagic telangiectasia based on the ACMG/AMP criteria applied, as specified by the ClinGen Hereditary Hemorrhagic Telangiectasia Variant Curation Expert Panel: PS4_Moderate, PP3, PM2_Supporting, PM5 (specifications version 1.1.0; 02/04/2025).

CeGaT Center for Human Genetics Tuebingen
Classification: Likely pathogenic. Last evaluated: 2025-05-01. Review status: criteria provided, single submitter. Criteria: CeGaT Center For Human Genetics Tuebingen Variant Classification Criteria Version 2. Collection method: clinical testing. Allele origin: germline. Affected: yes. Observed: 1 variant allele. Not counted in ClinVar's aggregate classification.
Comment: ENG: PM2, PM5, PS4:Moderate

PreventionGenetics, part of Exact Sciences
Classification: Uncertain significance for ENG-related condition. Last evaluated: 2023-05-09. Review status: criteria provided, single submitter. Criteria: ACMG Guidelines, 2015. Collection method: clinical testing. Allele origin: germline. Not counted in ClinVar's aggregate classification.
Comment: The ENG c.1517T>A variant is predicted to result in the amino acid substitution p.Leu506His. To our knowledge, this variant has not been reported in the literature. This variant is reported in 0.0099% of alleles in individuals of Ashkenazi Jewish descent in gnomAD. This variant has been interpreted by a single submitter in ClinVar as likely pathogenic. Of note a different variant impacting the same amino acid residue (p. Leu506Pro) has been reported patients with hereditary hemorrhagic telangiectasia (HHT) (Komiyama et al. 2014. PubMed ID: 24196379; Yokoo et al. 2018. PubMed ID: 30073140). Although we suspect that this variant may be pathogenic, at this time, the clinical significance of this variant is uncertain due to the absence of conclusive functional and genetic evidence.

Labcorp Genetics (formerly Invitae), Labcorp
Classification: Likely pathogenic for Hereditary hemorrhagic telangiectasia. Last evaluated: 2021-09-04. Review status: criteria provided, single submitter. Criteria: Invitae Variant Classification Sherloc (09022015). Collection method: clinical testing. Allele origin: germline. Not counted in ClinVar's aggregate classification.
Comment: This variant disrupts the p.Leu506 amino acid residue in ENG. Other variant(s) that disrupt this residue have been determined to be pathogenic (PMID: 24196379, 30073140). This suggests that this residue is clinically significant, and that variants that disrupt this residue are likely to be disease-causing. Advanced modeling of protein sequence and biophysical properties (such as structural, functional, and spatial information, amino acid conservation, physicochemical variation, residue mobility, and thermodynamic stability) performed at Invitae indicates that this missense variant is expected to disrupt ENG protein function. This missense change has been observed in individual(s) with clinical features of hereditary hemorrhagic telangiectasia (Invitae). The frequency data for this variant in the population databases is considered unreliable, as metrics indicate poor data quality at this position in the ExAC database. This sequence change replaces leucine with histidine at codon 506 of the ENG protein (p.Leu506His). The leucine residue is highly conserved and there is a moderate physicochemical difference between leucine and histidine. In summary, the currently available evidence indicates that the variant is pathogenic, but additional data are needed to prove that conclusively. Therefore, this variant has been classified as Likely Pathogenic.

Literature cited by the submitters: PubMed 24196379 (cited by Labcorp Genetics (formerly Invitae), Labcorp); PubMed 30073140 (cited by Labcorp Genetics (formerly Invitae), Labcorp).